The following is an entry in ClinVar:

ClinVar aggregate classification (germline): Uncertain significance (1 of 4 stars; one submission).

Conditions:
Fanconi anemia complementation group J. Also called: BRIP1-Related Fanconi Anemia. Identifiers: Orphanet 84, MedGen C1836860, MONDO:0012187, OMIM 609054.
Familial cancer of breast. Also called: BREAST CANCER, FAMILIAL; Hereditary breast cancer; hereditary breast carcinoma. Identifiers: Orphanet 227535, MedGen C0346153, MONDO:0016419, OMIM 114480. Disease mechanism: loss of function.

Submission:

Labcorp Genetics (formerly Invitae), Labcorp
Classification: Uncertain significance for Familial cancer of breast; Fanconi anemia complementation group J. Last evaluated: 2024-06-10. Review status: criteria provided, single submitter. Criteria: Invitae Variant Classification Sherloc (09022015). Collection method: clinical testing. Allele origin: germline.
Comment: This sequence change replaces cysteine, which is neutral and slightly polar, with tryptophan, which is neutral and slightly polar, at codon 593 of the BRIP1 protein (p.Cys593Trp). This variant is not present in population databases (gnomAD no frequency). This variant has not been reported in the literature in individuals affected with BRIP1-related conditions. Advanced modeling of protein sequence and biophysical properties (such as structural, functional, and spatial information, amino acid conservation, physicochemical variation, residue mobility, and thermodynamic stability) has been performed at Invitae for this missense variant, however the output from this modeling did not meet the statistical confidence thresholds required to predict the impact of this variant on BRIP1 protein function. In summary, the available evidence is currently insufficient to determine the role of this variant in disease. Therefore, it has been classified as a Variant of Uncertain Significance.

NM_032043.3(BRIP1):c.1779C>G (p.Cys593Trp)

Gene: BRIP1 (BRCA1 interacting DNA helicase 1; minus strand). Cytogenetic location: 17q23.2.
Variant type: single nucleotide variant.
Coding change: c.1779C>G on transcript NM_032043.3 (MANE Select); coding-DNA position 1779, C replaced by G.
Protein change: p.Cys593Trp; replaces cysteine 593 with tryptophan.
Molecular consequence: missense variant.
Genome position (GRCh38, 1-based): chr17:61,780,855, G>C on the plus strand (C>G on the coding strand, the complement: BRIP1 is on the minus strand). VCF-style: chr17-61780855-G-C. GRCh37 (hg19) VCF-style: chr17-59858216-G-C.
Other names: short protein forms C593W.
Identifiers: ClinVar variation 3756755 (VCV003756755.2).